The following is an entry in ClinVar:

NM_000901.5(NR3C2):c.2194C>T (p.Arg732Ter)

Gene: NR3C2 (nuclear receptor subfamily 3 group C member 2; minus strand). Cytogenetic location: 4q31.23.
Variant type: single nucleotide variant.
Coding change: c.2194C>T on transcript NM_000901.5 (MANE Select); coding-DNA position 2194, C replaced by T.
Protein change: p.Arg732Ter; replaces arginine 732 with a stop codon.
Molecular consequence: nonsense. On other transcripts: intron variant (2).
Genome position (GRCh38, 1-based): chr4:148,154,722, G>A on the plus strand (C>T on the coding strand, the complement: NR3C2 is on the minus strand). VCF-style: chr4-148154722-G-A. GRCh37 (hg19) VCF-style: chr4-149075873-G-A.
Other names: c.2194C>T (NM_000901.4); c.2015-2109C>T (NM_001354819.1, NM_001166104.2); short protein forms R732*.
Identifiers: ClinVar variation 1809717 (VCV001809717.6), dbSNP rs1553990750, ClinGen allele CA358426556.

ClinVar aggregate classification (germline): Pathogenic. Review status: criteria provided, multiple submitters, no conflicts (2 of 4 stars). 4 submissions from 4 submitters: Pathogenic (4). Last evaluated 2026-04-10.

Conditions:
Autosomal dominant pseudohypoaldosteronism type 1. Also called: PHA I, AUTOSOMAL DOMINANT; Pseudohypoaldosteronism, Type I, Autosomal Dominant; Pseudohypoaldosteronism, Type I, Dominant. Identifiers: Orphanet 171871, Orphanet 756, MedGen C1449842, MONDO:0008329, OMIM 177735.
NR3C2-related disorder. Also called: NR3C2-related condition; NR3C2-related disorders.

Submissions (4):

GeneDx
Classification: Pathogenic. Last evaluated: 2026-04-10. Review status: criteria provided, single submitter. Criteria: GeneDx Variant Classification Process June 2021. Collection method: clinical testing. Allele origin: germline.
Comment: Nonsense variant predicted to result in protein truncation or nonsense mediated decay in a gene for which loss of function is a known mechanism of disease; Not observed at significant frequency in large population cohorts (gnomAD); This variant is associated with the following publications: (PMID: 36007526, 37432431, 28348114, 33587123)

Blueprint Genetics
Classification: Pathogenic for NR3C2-related disorders. Last evaluated: 2024-06-03. Review status: criteria provided, single submitter. Criteria: ACMG Guidelines, 2015. Collection method: clinical testing. Allele origin: germline. Affected: yes. Observed: 5 variant alleles.

Johns Hopkins Genomics, Johns Hopkins University
Classification: Pathogenic for Autosomal dominant pseudohypoaldosteronism type 1. Last evaluated: 2023-06-01. Review status: criteria provided, single submitter. Criteria: ACMG Guidelines, 2015. Collection method: clinical testing. Allele origin: germline.
Comment: This NR3C2 variant has been previously identified in a patient with pseudohypoaldosteronism type 1 and has also been reported in ClinVar (Variation ID 1809717) but is absent from a large population dataset. This nonsense variant results in a premature stop codon in exon 5 of 9, likely leading to nonsense-mediated decay and lack of protein production. We consider c.2206C>T in NR3C2 to be pathogenic.

Athena Diagnostics
Classification: Pathogenic. Last evaluated: 2019-12-27. Review status: criteria provided, single submitter. Criteria: Athena Diagnostics Criteria. Collection method: clinical testing. Allele origin: unknown.
Comment: This variant is expected to result in the loss of a functional protein. This variant has not been reported in large, multi-ethnic general populations. This variant has been identified in an individual diagnosed with autosomal dominant pseudohypoaldosteronism type 1 (PMID:28348114).This observation is not an independent occurrence and has been identified in the same individual by RCIGM, the other laboratory participating in the GEMINI study.

Literature cited by the submitters: PubMed 28348114 (cited by Johns Hopkins Genomics, Johns Hopkins University).